The following is an entry in ClinVar:

ClinVar aggregate classification (germline): Uncertain significance. Review status: criteria provided, multiple submitters, no conflicts (2 of 4 stars). 4 submissions from 4 submitters: Uncertain significance (4). Last evaluated 2025-11-26.

Conditions:
Inborn genetic diseases. Identifiers: MedGen C0950123, MeSH D030342.

Allele frequency attached by ClinVar (database versions not stated): ExAC 0.00001; gnomAD 0.00002; gnomAD exomes 0.00002; TOPMed 0.00004.
gnomAD v4.1: 26 of 1,609,264 alleles (0.0016%); highest among the groups gnomAD compares: Middle Eastern, 0.017%; no homozygotes.

Submissions (4):

Ambry Genetics
Classification: Uncertain significance for Inborn genetic diseases. Last evaluated: 2025-11-26. Review status: criteria provided, single submitter. Criteria: Ambry Variant Classification Scheme 2023. Collection method: clinical testing. Allele origin: germline.

CeGaT Center for Human Genetics Tuebingen
Classification: Uncertain significance. Last evaluated: 2025-09-01. Review status: criteria provided, single submitter. Criteria: CeGaT Center For Human Genetics Tuebingen Variant Classification Criteria Version 2. Collection method: clinical testing. Allele origin: germline. Affected: yes. Observed: 1 variant allele.
Comment: DNAJC21: PM2

Labcorp Genetics (formerly Invitae), Labcorp
Classification: Uncertain significance. Last evaluated: 2024-10-24. Review status: criteria provided, single submitter. Criteria: Invitae Variant Classification Sherloc (09022015). Collection method: clinical testing. Allele origin: germline.
Comment: This sequence change replaces isoleucine, which is neutral and non-polar, with threonine, which is neutral and polar, at codon 482 of the DNAJC21 protein (p.Ile482Thr). This variant is present in population databases (rs775119204, gnomAD 0.004%). This variant has not been reported in the literature in individuals affected with DNAJC21-related conditions. ClinVar contains an entry for this variant (Variation ID: 1306219). An algorithm developed to predict the effect of missense changes on protein structure and function (PolyPhen-2) suggests that this variant¬†is likely to be tolerated. In summary, the available evidence is currently insufficient to determine the role of this variant in disease. Therefore, it has been classified as a Variant of Uncertain Significance.

GeneDx
Classification: Uncertain significance. Last evaluated: 2019-06-14. Review status: criteria provided, single submitter. Criteria: GeneDx Variant Classification Process June 2021. Collection method: clinical testing. Allele origin: germline. Affected: yes.
Comment: In silico analysis, which includes protein predictors and evolutionary conservation, supports that this variant does not alter protein structure/function; Has not been previously published as pathogenic or benign to our knowledge

NM_001012339.3(DNAJC21):c.1445T>C (p.Ile482Thr)

Gene: DNAJC21 (DnaJ heat shock protein family (Hsp40) member C21; plus strand). Cytogenetic location: 5p13.2.
Variant type: single nucleotide variant.
Coding change: c.1445T>C on transcript NM_001012339.3 (MANE Select); coding-DNA position 1445, T replaced by C.
Protein change: p.Ile482Thr; replaces isoleucine 482 with threonine.
Molecular consequence: missense variant.
Genome position (GRCh38, 1-based): chr5:34,954,563, T>C. VCF-style: chr5-34954563-T-C. GRCh37 (hg19) VCF-style: chr5-34954668-T-C.
Other names: c.1484T>C, p.Ile495Thr (NM_001348420.2); c.1580T>C, p.Ile527Thr (NM_194283.4); c.1580T>C (NM_194283.3); short protein forms I482T, I495T, I527T.
Identifiers: ClinVar variation 1306219 (VCV001306219.14), dbSNP rs775119204, ClinGen allele CA3228865.